The following is an entry in ClinVar:

ClinVar aggregate classification (germline): Likely benign. Review status: criteria provided, multiple submitters, no conflicts (2 of 4 stars). 5 submissions from 5 submitters: Likely benign (4). 1 of the submissions does not count toward it. Last evaluated 2025-07-01.

Conditions:
TRIO-related disorder. Also called: TRIO-related condition; TRIO-related disorders.

Allele frequency attached by ClinVar (database versions not stated): ExAC 0.00006; gnomAD 0.00017 and 0.00018; TOPMed 0.00017.

Submissions (5):

CeGaT Center for Human Genetics Tuebingen
Classification: Likely benign. Last evaluated: 2025-07-01. Review status: criteria provided, single submitter. Criteria: CeGaT Center For Human Genetics Tuebingen Variant Classification Criteria Version 2. Collection method: clinical testing. Allele origin: germline. Affected: yes. Observed: 1 variant allele.
Comment: TRIO: BP4, BP7

Blueprint Genetics
Classification: Likely benign. Last evaluated: 2024-03-26. Review status: criteria provided, single submitter. Criteria: ACMG Guidelines, 2015. Collection method: clinical testing. Allele origin: germline.

GeneDx
Classification: Likely benign. Last evaluated: 2020-12-11. Review status: criteria provided, single submitter. Criteria: GeneDx Variant Classification Process June 2021. Collection method: clinical testing. Allele origin: germline. Affected: yes.

Labcorp Genetics (formerly Invitae), Labcorp
Classification: Likely benign. Last evaluated: 2018-12-03. Review status: criteria provided, single submitter. Criteria: Invitae Variant Classification Sherloc (09022015). Collection method: clinical testing. Allele origin: germline.

PreventionGenetics, part of Exact Sciences
Classification: Likely benign for TRIO-related condition. Last evaluated: 2019-08-01. Review status: no assertion criteria provided. Collection method: clinical testing. Allele origin: germline. Not counted in ClinVar's aggregate classification.
Comment: This variant is classified as likely benign based on ACMG/AMP sequence variant interpretation guidelines (Richards et al. 2015 PMID: 25741868, with internal and published modifications).

NM_007118.4(TRIO):c.5379G>A (p.Val1793=)

Gene: TRIO (trio Rho guanine nucleotide exchange factor; plus strand). Cytogenetic location: 5p15.2.
Variant type: single nucleotide variant.
Coding change: c.5379G>A on transcript NM_007118.4 (MANE Select); coding-DNA position 5379, G replaced by A.
Protein change: p.Val1793=; no amino-acid change (valine 1793 retained).
Molecular consequence: synonymous variant. On other transcripts: non-coding transcript variant (1).
Genome position (GRCh38, 1-based): chr5:14,461,194, G>A. VCF-style: chr5-14461194-G-A. GRCh37 (hg19) VCF-style: chr5-14461303-G-A.
Identifiers: ClinVar variation 738525 (VCV000738525.16), dbSNP rs758570299, ClinGen allele CA3206729.